The following is an entry in ClinVar:

ClinVar aggregate classification (germline): Pathogenic (1 of 4 stars; one submission).

Conditions:
DICER1-related tumor predisposition. Also called: DICER1-related pleuropulmonary blastoma cancer predisposition syndrome; DICER1 syndrome. Identifiers: Orphanet 284343, MedGen C3839822, MONDO:0100216.

Submission:

Labcorp Genetics (formerly Invitae), Labcorp
Classification: Pathogenic for DICER1-related tumor predisposition. Last evaluated: 2021-07-08. Review status: criteria provided, single submitter. Criteria: Invitae Variant Classification Sherloc (09022015). Collection method: clinical testing. Allele origin: germline.
Comment: This variant has not been reported in the literature in individuals affected with DICER1-related conditions. This sequence change creates a premature translational stop signal (p.Lys462Serfs*13) in the DICER1 gene. It is expected to result in an absent or disrupted protein product. Loss-of-function variants in DICER1 are known to be pathogenic (PMID: 19556464, 21266384). This variant is not present in population databases (ExAC no frequency). For these reasons, this variant has been classified as Pathogenic.

Literature cited by the submitters: PubMed 19556464; PubMed 21266384.

NM_177438.3(DICER1):c.1385_1389del (p.Lys462fs)

Gene: DICER1 (dicer 1, ribonuclease III; minus strand). Cytogenetic location: 14q32.13.
Variant type: Deletion.
Coding change: c.1385_1389del on transcript NM_177438.3 (MANE Select); coding-DNA positions 1385 to 1389, 5 bases deleted (AGGAA; older notation c.1385_1389delAGGAA).
Protein change: p.Lys462fs; shifts the reading frame from lysine 462.
Molecular consequence: frameshift variant.
Genome position (GRCh38, 1-based): chr14:95,117,742-95,117,746, TTCCT deleted on the plus strand (AGGAA on the coding strand, the reverse complement: DICER1 is on the minus strand); deleting any 5 consecutive bases within chr14:95,117,742-95,117,748 gives the same sequence; the c. name uses the placement nearest the transcript's 3' end. VCF-style (leftmost placement, unchanged base first): chr14-95117741-CTTCCT-C. GRCh37 (hg19) VCF-style: chr14-95584078-CTTCCT-C.
Other names: c.1385_1389del, p.Lys462fs (NM_001195573.1, NM_001271282.3, NM_001291628.2 and 1 more transcripts); short protein forms K462fs.
Identifiers: ClinVar variation 1375396 (VCV001375396.7), dbSNP rs2140138808, ClinGen allele CA2573150320.